The following is an entry in ClinVar:

ClinVar aggregate classification (germline): Pathogenic (1 of 4 stars; one submission).

Conditions:
Duchenne muscular dystrophy (DMD). Also called: MUSCULAR DYSTROPHY, PSEUDOHYPERTROPHIC PROGRESSIVE, DUCHENNE TYPE; Duchenne Muscular Dystrophy (DMD). Identifiers: Orphanet 98896, MedGen C0013264, MONDO:0010679, OMIM 310200.

Submission:

Labcorp Genetics (formerly Invitae), Labcorp
Classification: Pathogenic for Duchenne muscular dystrophy. Last evaluated: 2018-10-10. Review status: criteria provided, single submitter. Criteria: Invitae Variant Classification Sherloc (09022015). Collection method: clinical testing. Allele origin: germline.
Comment: This sequence change creates a premature translational stop signal (p.Cys10Phefs*16) in the DMD gene. It is expected to result in an absent or disrupted protein product. This variant is not present in population databases (ExAC no frequency). This variant has not been reported in the literature in individuals with DMD-related disease. Loss-of-function variants in DMD are known to be pathogenic (PMID: 16770791, 25007885). For these reasons, this variant has been classified as Pathogenic.

Literature cited by the submitters: PubMed 16770791; PubMed 25007885.

NM_004006.3(DMD):c.29del (p.Cys10fs)

Gene: DMD (dystrophin; minus strand). Cytogenetic location: Xp21.1.
Variant type: Deletion.
Coding change: c.29del on transcript NM_004006.3 (MANE Select); coding-DNA position 29, one base deleted (G; older notation c.29delG).
Protein change: p.Cys10fs; shifts the reading frame from cysteine 10.
Molecular consequence: frameshift variant. On other transcripts: intron variant (1).
Genome position (GRCh38, 1-based): chrX:33,211,284, C deleted on the plus strand (G on the coding strand, the reverse complement: DMD is on the minus strand). VCF-style (leftmost placement, unchanged base first): chrX-33211283-AC-A. GRCh37 (hg19) VCF-style: chrX-33229400-AC-A.
Other names: c.7+127975del (NM_000109.4); c.29delG (NM_004006.2); short protein forms C10fs.
Identifiers: ClinVar variation 644710 (VCV000644710.7), dbSNP rs1603419076, ClinGen allele CA915950840.